The following is an entry in ClinVar:

ClinVar aggregate classification (germline): Likely benign. Review status: reviewed by expert panel (3 of 4 stars). 6 submissions from 6 submitters: Likely benign (1). 5 of the submissions do not count toward it. Last evaluated 2017-06-29.

Conditions:
Hereditary cancer-predisposing syndrome. Also called: Tumor predisposition; Neoplastic Syndromes, Hereditary; Hereditary neoplastic syndrome; Hereditary Cancer Syndrome. Identifiers: Orphanet 140162, MedGen C0027672, MeSH D009386, MONDO:0015356.
Hereditary breast ovarian cancer syndrome. Also called: Hereditary breast and ovarian cancer syndrome; Hereditary breast and ovarian cancer syndrome (HBOC); Hereditary breast and ovarian cancer; Breast and ovarian cancer; BRCA1- and BRCA2-Associated Hereditary Breast and Ovarian Cancer; Hereditary breast and/or ovarian cancer syndrome. Identifiers: Orphanet 145, MedGen C0677776, MeSH D061325, MONDO:0003582. Disease mechanism: loss of function.
Breast-ovarian cancer, familial, susceptibility to, 2 (BROVCA2). Also called: BRCA2 Hereditary Breast and Ovarian Cancer. Identifiers: Orphanet 145, MedGen C2675520, MONDO:0012933, OMIM 612555. Disease mechanism: loss of function.

Allele frequency attached by ClinVar (database versions not stated): ExAC 0.00001; gnomAD exomes 0.00001.
gnomAD v4.1: 6 of 1,610,682 alleles (0.00037%); highest among the groups gnomAD compares: Non-Finnish European, 0.00034%; no homozygotes.

Submissions (6):

Evidence-based Network for the Interpretation of Germline Mutant Alleles (ENIGMA)
Classification: Likely benign for Breast-ovarian cancer, familial, susceptibility to, 2. Last evaluated: 2017-06-29. Review status: reviewed by expert panel. Criteria: ENIGMA BRCA1/2 Classification Criteria (2017-06-29). Collection method: curation. Allele origin: germline.
Comment: Synonymous substitution variant, with low bioinformatic likelihood to result in a splicing aberration (Splicing prior probability 0.02).

Labcorp Genetics (formerly Invitae), Labcorp
Classification: Likely benign for Hereditary breast ovarian cancer syndrome. Last evaluated: 2024-03-25. Review status: criteria provided, single submitter. Criteria: Invitae Variant Classification Sherloc (09022015). Collection method: clinical testing. Allele origin: germline. Not counted in ClinVar's aggregate classification.

All of Us Research Program, National Institutes of Health
Classification: Likely benign for Breast-ovarian cancer, familial, susceptibility to, 2. Last evaluated: 2023-07-10. Review status: criteria provided, single submitter. Criteria: ACMG Guidelines, 2015. Collection method: clinical testing. Allele origin: germline. Inheritance: Autosomal dominant inheritance. Observed: 1 variant allele, 1 heterozygote. Not counted in ClinVar's aggregate classification.
Comment: This study involves interpretation of variants in research participants for the purpose of population health screening. Participant phenotype was not available at the time of variant classification. Additional details can be found in publication PMID: 35346344, PMCID: PMC8962531

Blueprint Genetics
Classification: Likely benign. Last evaluated: 2021-11-03. Review status: criteria provided, single submitter. Criteria: ACMG Guidelines, 2015. Collection method: clinical testing. Allele origin: germline. Not counted in ClinVar's aggregate classification.

Ambry Genetics
Classification: Likely benign for Hereditary cancer-predisposing syndrome. Last evaluated: 2015-08-07. Review status: criteria provided, single submitter. Criteria: Ambry Variant Classification Scheme 2023. Collection method: clinical testing. Allele origin: germline. Not counted in ClinVar's aggregate classification.

GeneDx
Classification: Benign. Last evaluated: 2015-05-04. Review status: criteria provided, single submitter. Criteria: GeneDx Variant Classification Process June 2021. Collection method: clinical testing. Allele origin: germline. Affected: yes. Not counted in ClinVar's aggregate classification.

NM_000059.4(BRCA2):c.6975T>C (p.Val2325=)

Gene: BRCA2 (BRCA2 DNA repair associated; plus strand). Cytogenetic location: 13q13.1.
Variant type: single nucleotide variant.
Coding change: c.6975T>C on transcript NM_000059.4 (MANE Select); coding-DNA position 6975, T replaced by C.
Protein change: p.Val2325=; no amino-acid change (valine 2325 retained).
Molecular consequence: synonymous variant.
Genome position (GRCh38, 1-based): chr13:32,346,864, T>C. VCF-style: chr13-32346864-T-C. GRCh37 (hg19) VCF-style: chr13-32921001-T-C.
Identifiers: ClinVar variation 184053 (VCV000184053.20), dbSNP rs781466318, ClinGen allele CA024661.
Genomic context (GRCh38, chr13:32,346,864, plus strand): 5'-AATATAAAATAATTGTTTCCTAGGCACAATAAAAGATCGAAGATTGTTTATGCATCATGT[T>C]TCTTTAGAGCCGATTACCTGTGTACCCTTTCGGTAAGACATGTTTAAATTTTTCTAAATT-3'
Protein context (NP_000050.3, residues 2315-2335): IKDRRLFMHH[Val2325=]SLEPITCVPF